The following is an entry in ClinVar:

ClinVar aggregate classification (germline): Uncertain significance (1 of 4 stars; one submission).

Conditions:
Menkes kinky-hair syndrome (MNK). Also called: Copper transport disease; Classic Menkes Disease; Menkes Disease. Identifiers: Orphanet 565, MedGen C0022716, MONDO:0010651, OMIM 309400.
Cutis laxa, X-linked (OHS). Also called: EDS IX; Occipital horn syndrome. Identifiers: Orphanet 198, MedGen C0268353, MONDO:0010572, OMIM 304150.
X-linked distal spinal muscular atrophy type 3. Also called: SPINAL MUSCULAR ATROPHY, DISTAL, X-LINKED RECESSIVE; ATP7A-Related Distal Motor Neuropathy; NEURONOPATHY, DISTAL HEREDITARY MOTOR, X-LINKED; NEUROPATHY, DISTAL HEREDITARY MOTOR, X-LINKED. Identifiers: Orphanet 139557, MedGen C1845359, MONDO:0010338, OMIM 300489.

Submission:

Labcorp Genetics (formerly Invitae), Labcorp
Classification: Uncertain significance for X-linked distal spinal muscular atrophy type 3; Cutis laxa, X-linked; Menkes kinky-hair syndrome. Last evaluated: 2018-06-21. Review status: criteria provided, single submitter. Criteria: Invitae Variant Classification Sherloc (09022015). Collection method: clinical testing. Allele origin: germline.
Comment: In summary, the available evidence is currently insufficient to determine the role of this variant in disease. Therefore, it has been classified as a Variant of Uncertain Significance. Algorithms developed to predict the effect of missense changes on protein structure and function (SIFT, PolyPhen-2, Align-GVGD) all suggest that this variant is likely to be tolerated, but these predictions have not been confirmed by published functional studies and their clinical significance is uncertain. This variant has not been reported in the literature in individuals with ATP7A-related disease. This variant is not present in population databases (ExAC no frequency). This sequence change replaces valine with alanine at codon 1040 of the ATP7A protein (p.Val1040Ala). The valine residue is moderately conserved and there is a small physicochemical difference between valine and alanine.

NM_000052.7(ATP7A):c.3119T>C (p.Val1040Ala)

Gene: ATP7A (ATPase copper transporting alpha; plus strand). Cytogenetic location: Xq21.1.
Variant type: single nucleotide variant.
Coding change: c.3119T>C on transcript NM_000052.7 (MANE Select); coding-DNA position 3119, T replaced by C.
Protein change: p.Val1040Ala; replaces valine 1040 with alanine.
Molecular consequence: missense variant. On other transcripts: non-coding transcript variant (1).
Genome position (GRCh38, 1-based): chrX:78,031,407, T>C. VCF-style: chrX-78031407-T-C. GRCh37 (hg19) VCF-style: chrX-77286905-T-C.
Other names: c.2885T>C, p.Val962Ala (NM_001282224.2); short protein forms V1040A, V962A.
Identifiers: ClinVar variation 1043057 (VCV001043057.9), dbSNP rs2077983152, ClinGen allele CA413603439.
Genomic context (GRCh38, chrX:78,031,407, plus strand): 5'-TGGAAAGGTGATGTGGAGGATCATCAAGTCATTGTATCTTAATTTTTTTACAGGTAAAGG[T>C]AGTGGTATTTGATAAGACTGGAACCATTACTCACGGAACCCCAGTGGTGAATCAAGTAAA-3'
Protein context (NP_000043.4, residues 1030-1050): EPLEMAHKVK[Val1040Ala]VVFDKTGTIT